The following is an entry in ClinVar:

ClinVar aggregate classification (germline): Uncertain significance (1 of 4 stars; one submission).

Conditions:
Amyotrophic lateral sclerosis type 21. Also called: MYOPATHY, DISTAL, 2; VOCAL CORD AND PHARYNGEAL DYSFUNCTION WITH DISTAL MYOPATHY. Identifiers: Orphanet 600, Orphanet 803, MedGen C3807521, MONDO:0011632, OMIM 606070.

Allele frequency attached by ClinVar (database versions not stated): gnomAD exomes below 0.00001; TOPMed below 0.00001; ExAC 0.00001; gnomAD 0.00001.
gnomAD v4.1: 3 of 1,614,094 alleles (0.00019%); highest among the groups gnomAD compares: East Asian, 0.0022%; no homozygotes.

Submission:

Labcorp Genetics (formerly Invitae), Labcorp
Classification: Uncertain significance for Amyotrophic lateral sclerosis type 21. Last evaluated: 2024-04-15. Review status: criteria provided, single submitter. Criteria: Invitae Variant Classification Sherloc (09022015). Collection method: clinical testing. Allele origin: germline.
Comment: This sequence change replaces isoleucine, which is neutral and non-polar, with valine, which is neutral and non-polar, at codon 775 of the MATR3 protein (p.Ile775Val). This variant is present in population databases (rs763884623, gnomAD 0.006%). This variant has not been reported in the literature in individuals affected with MATR3-related conditions. ClinVar contains an entry for this variant (Variation ID: 2116878). Advanced modeling of protein sequence and biophysical properties (such as structural, functional, and spatial information, amino acid conservation, physicochemical variation, residue mobility, and thermodynamic stability) performed at Invitae indicates that this missense variant is not expected to disrupt MATR3 protein function with a negative predictive value of 80%. In summary, the available evidence is currently insufficient to determine the role of this variant in disease. Therefore, it has been classified as a Variant of Uncertain Significance.

NM_018834.6(MATR3):c.2323A>G (p.Ile775Val)

Gene: MATR3 (matrin 3; plus strand). Cytogenetic location: 5q31.2.
Variant type: single nucleotide variant.
Coding change: c.2323A>G on transcript NM_018834.6 (MANE Select); coding-DNA position 2323, A replaced by G.
Protein change: p.Ile775Val; replaces isoleucine 775 with valine.
Molecular consequence: missense variant.
Genome position (GRCh38, 1-based): chr5:139,325,614, A>G. VCF-style: chr5-139325614-A-G. GRCh37 (hg19) VCF-style: chr5-138661303-A-G.
Other names: c.2323A>G, p.Ile775Val (NM_001194954.2, NM_001194955.2, NM_001400447.1 and 11 more transcripts); c.1459A>G, p.Ile487Val (NM_001194956.2); c.1309A>G, p.Ile437Val (NM_001282278.2, NM_001400462.1, NM_001400463.1 and 4 more transcripts); c.2467A>G, p.Ile823Val (NM_001400441.1, NM_001400442.1, NM_001400443.1 and 2 more transcripts); c.1462A>G, p.Ile488Val (NM_001400459.1); c.1453A>G, p.Ile485Val (NM_001400460.1); c.1423A>G, p.Ile475Val (NM_001400461.1); short protein forms I823V, I485V, I487V, I488V, I437V, I475V, I775V.
Identifiers: ClinVar variation 2116878 (VCV002116878.4), dbSNP rs763884623, ClinGen allele CA3433422.